The following is an entry in ClinVar:

NM_007272.3(CTRC):c.148C>T (p.Leu50Phe)

Gene: CTRC (chymotrypsin C; plus strand). Cytogenetic location: 1p36.21.
Variant type: single nucleotide variant.
Coding change: c.148C>T on transcript NM_007272.3 (MANE Select); coding-DNA position 148, C replaced by T.
Protein change: p.Leu50Phe; replaces leucine 50 with phenylalanine.
Molecular consequence: missense variant.
Genome position (GRCh38, 1-based): chr1:15,440,508, C>T. VCF-style: chr1-15440508-C-T. GRCh37 (hg19) VCF-style: chr1-15767004-C-T.
Other names: short protein forms L50F.
Identifiers: ClinVar variation 3623882 (VCV003623882.2).

ClinVar aggregate classification (germline): Uncertain significance (1 of 4 stars; one submission).

Conditions:
Hereditary pancreatitis (PCTT). Also called: Hereditary chronic pancreatitis; PRSS1-Related Hereditary Pancreatitis. Identifiers: Orphanet 676, MedGen C0238339, MONDO:0008185, OMIM 167800.

Submission:

Labcorp Genetics (formerly Invitae), Labcorp
Classification: Uncertain significance for Hereditary pancreatitis. Last evaluated: 2025-01-28. Review status: criteria provided, single submitter. Criteria: Invitae Variant Classification Sherloc (09022015). Collection method: clinical testing. Allele origin: germline.
Comment: This sequence change replaces leucine, which is neutral and non-polar, with phenylalanine, which is neutral and non-polar, at codon 50 of the CTRC protein (p.Leu50Phe). This variant is not present in population databases (gnomAD no frequency). This variant has not been reported in the literature in individuals affected with CTRC-related conditions. Invitae Evidence Modeling of protein sequence and biophysical properties (such as structural, functional, and spatial information, amino acid conservation, physicochemical variation, residue mobility, and thermodynamic stability) has been performed for this missense variant. However, the output from this modeling did not meet the statistical confidence thresholds required to predict the impact of this variant on CTRC protein function. In summary, the available evidence is currently insufficient to determine the role of this variant in disease. Therefore, it has been classified as a Variant of Uncertain Significance.